The following is an entry in ClinVar:

NM_020791.4(TAOK1):c.527C>T (p.Ala176Val)

Gene: TAOK1 (TAO kinase 1; plus strand). Cytogenetic location: 17q11.2.
Variant type: single nucleotide variant.
Coding change: c.527C>T on transcript NM_020791.4 (MANE Select); coding-DNA position 527, C replaced by T.
Protein change: p.Ala176Val; replaces alanine 176 with valine.
Molecular consequence: missense variant.
Genome position (GRCh38, 1-based): chr17:29,480,445, C>T. VCF-style: chr17-29480445-C-T. GRCh37 (hg19) VCF-style: chr17-27807463-C-T.
Other names: c.527C>T, p.Ala176Val (NM_025142.1); short protein forms A176V.
Identifiers: ClinVar variation 2634770 (VCV002634770.2), dbSNP rs747156223, ClinGen allele CA8474443.

ClinVar aggregate classification (germline): Uncertain significance. Review status: criteria provided, multiple submitters, no conflicts (2 of 4 stars). 2 submissions from 2 submitters: Uncertain significance (2). Last evaluated 2023-12-27.

Conditions:
Inborn genetic diseases. Identifiers: MedGen C0950123, MeSH D030342.
TAOK1-related disorder. Also called: TAOK1-related condition.

Allele frequency attached by ClinVar (database versions not stated): TOPMed below 0.00001; ExAC 0.00001; gnomAD exomes 0.00001.
gnomAD v4.1: 9 of 1,613,336 alleles (0.00056%); highest among the groups gnomAD compares: Non-Finnish European, 0.00059%; no homozygotes.

Submissions (2):

Ambry Genetics
Classification: Uncertain significance for Inborn genetic diseases. Last evaluated: 2023-12-27. Review status: criteria provided, single submitter. Criteria: Ambry Variant Classification Scheme 2023. Collection method: clinical testing. Allele origin: germline.

PreventionGenetics, part of Exact Sciences
Classification: Uncertain significance for TAOK1-related condition. Last evaluated: 2023-05-11. Review status: criteria provided, single submitter. Criteria: ACMG Guidelines, 2015. Collection method: clinical testing. Allele origin: germline.
Comment: The TAOK1 c.527C>T variant is predicted to result in the amino acid substitution p.Ala176Val. To our knowledge, this variant has not been reported in the literature or in a large population database, indicating this variant is rare. At this time, the clinical significance of this variant is uncertain due to the absence of conclusive functional and genetic evidence.